The following is an entry in ClinVar:

ClinVar aggregate classification (germline): Uncertain significance (1 of 4 stars; one submission).

Submission:

Women's Health and Genetics/Laboratory Corporation of America, LabCorp
Classification: Uncertain significance. Last evaluated: 2026-05-08. Review status: criteria provided, single submitter. Criteria: LabCorp Variant Classification Summary - May 2015. Collection method: clinical testing. Allele origin: germline.
Comment: Variant summary: USP7 c.2443A>C (p.Asn815His) results in a conservative amino acid change in the encoded protein sequence. Algorithms developed to predict the effect of missense changes on protein structure and function are either unavailable or do not agree on the potential impact of this missense change. The frequency data for this variant in gnomAD is considered unreliable, as metrics indicate poor data quality at this position. To our knowledge, no occurrence of c.2443A>C in individuals affected with USP7-related conditions and no experimental evidence demonstrating its impact on protein function have been reported. No submitters have cited clinical-significance assessments for this variant to ClinVar. Based on the evidence outlined above, the variant was classified as uncertain significance.

NM_003470.3(USP7):c.2443A>C (p.Asn815His)

Gene: USP7 (ubiquitin specific peptidase 7; minus strand). Cytogenetic location: 16p13.2.
Variant type: single nucleotide variant.
Coding change: c.2443A>C on transcript NM_003470.3 (MANE Select); coding-DNA position 2443, A replaced by C.
Protein change: p.Asn815His; replaces asparagine 815 with histidine.
Molecular consequence: missense variant. On other transcripts: non-coding transcript variant (1).
Genome position (GRCh38, 1-based): chr16:8,899,624, T>G on the plus strand (A>C on the coding strand, the complement: USP7 is on the minus strand). VCF-style: chr16-8899624-T-G. GRCh37 (hg19) VCF-style: chr16-8993481-T-G.
Other names: c.2395A>C, p.Asn799His (NM_001286457.2); c.2146A>C, p.Asn716His (NM_001286458.2); c.2269A>C, p.Asn757His (NM_001321858.2); short protein forms N716H, N757H, N799H, N815H.
Identifiers: ClinVar variation 4853392 (VCV004853392.1).